The following is an entry in ClinVar:

ClinVar aggregate classification (germline): Uncertain significance (1 of 4 stars; one submission).

Conditions:
Autosomal recessive limb-girdle muscular dystrophy type 2A (LGMDR1). Also called: Calpainopathy; Muscular dystrophy, limb-girdle, type 2A, Amish; LEYDEN-MOEBIUS MUSCULAR DYSTROPHY; MUSCULAR DYSTROPHY, PELVOFEMORAL; Limb-girdle muscular dystrophy, type 2A. Identifiers: Orphanet 267, MedGen C1869123, MONDO:0009675, OMIM 253600. Disease mechanism: loss of function.

Submission:

Labcorp Genetics (formerly Invitae), Labcorp
Classification: Uncertain significance for Autosomal recessive limb-girdle muscular dystrophy type 2A. Last evaluated: 2023-12-28. Review status: criteria provided, single submitter. Criteria: Invitae Variant Classification Sherloc (09022015). Collection method: clinical testing. Allele origin: germline.
Comment: This sequence change replaces arginine, which is basic and polar, with lysine, which is basic and polar, at codon 307 of the CAPN3 protein (p.Arg307Lys). This variant is not present in population databases (gnomAD no frequency). This variant has not been reported in the literature in individuals affected with CAPN3-related conditions. Advanced modeling of protein sequence and biophysical properties (such as structural, functional, and spatial information, amino acid conservation, physicochemical variation, residue mobility, and thermodynamic stability) has been performed at Invitae for this missense variant, however the output from this modeling did not meet the statistical confidence thresholds required to predict the impact of this variant on CAPN3 protein function. In summary, the available evidence is currently insufficient to determine the role of this variant in disease. Therefore, it has been classified as a Variant of Uncertain Significance.

NM_000070.3(CAPN3):c.920G>A (p.Arg307Lys)

Gene: CAPN3 (calpain 3; plus strand). Cytogenetic location: 15q15.1.
Variant type: single nucleotide variant.
Coding change: c.920G>A on transcript NM_000070.3 (MANE Select); coding-DNA position 920, G replaced by A.
Protein change: p.Arg307Lys; replaces arginine 307 with lysine.
Molecular consequence: missense variant. On other transcripts: intron variant (1).
Genome position (GRCh38, 1-based): chr15:42,390,071, G>A. VCF-style: chr15-42390071-G-A. GRCh37 (hg19) VCF-style: chr15-42682269-G-A.
Other names: c.920G>A, p.Arg307Lys (NM_024344.2); c.801+975G>A (NM_173087.2); short protein forms R307K.
Identifiers: ClinVar variation 3708593 (VCV003708593.2).
Genomic context (GRCh38, chr15:42,390,071, plus strand): 5'-TTGCACGGATGGTAAGGAATATGGATAACTCACTGCTCCAGGACTCAGACCTCGACCCCA[G>A]AGGCTCAGATGAAAGACCGACCCGGGTGTGTACACCTCCGATTATCAGAACTGACCATCC-3'
Protein context (NP_000061.1, residues 297-317): SLLQDSDLDP[Arg307Lys]GSDERPTRTI